The following is an entry in ClinVar:

NM_001165963.4(SCN1A):c.2942T>C (p.Leu981Pro)

Gene: SCN1A (sodium voltage-gated channel alpha subunit 1; minus strand). Cytogenetic location: 2q24.3.
Variant type: single nucleotide variant.
Coding change: c.2942T>C on transcript NM_001165963.4 (MANE Select); coding-DNA position 2942, T replaced by C.
Protein change: p.Leu981Pro; replaces leucine 981 with proline.
Molecular consequence: missense variant. On other transcripts: non-coding transcript variant (1).
Genome position (GRCh38, 1-based): chr2:166,037,780, A>G on the plus strand (T>C on the coding strand, the complement: SCN1A is on the minus strand). VCF-style: chr2-166037780-A-G. GRCh37 (hg19) VCF-style: chr2-166894290-A-G.
Other names: c.2858T>C, p.Leu953Pro (NM_001165964.3, NM_001353957.2, NM_001353958.2); c.2942T>C, p.Leu981Pro (NM_001202435.3, NM_001353948.2); c.2909T>C, p.Leu970Pro (NM_001353949.2, NM_001353950.2, NM_001353951.2 and 2 more transcripts); c.2906T>C, p.Leu969Pro (NM_001353954.2, NM_001353955.2); c.2855T>C, p.Leu952Pro (NM_001353960.2); c.500T>C, p.Leu167Pro (NM_001353961.2); short protein forms L981P, L167P, L953P, L969P, L970P, L952P.
Identifiers: ClinVar variation 2203193 (VCV002203193.4), dbSNP rs2468093865, ClinGen allele CA349060736.
Genomic context (GRCh38, chr2:166,037,780, plus strand): 5'-TATACATGTGCCATGCTGGTGTATTTCCAAAATGCATATCTTAAGTGGGTACATACCACT[A>G]GGTTTCCAATCACCATGACCATCATGAAGACAGTAAGGCACATGGCTTGACCAGCAACCT-3'
Protein context (NP_001159435.1, residues 971-991): VFMMVMVIGN[Leu981Pro]VVLNLFLALL

ClinVar aggregate classification (germline): Pathogenic (1 of 4 stars; one submission).

Conditions:
Early-infantile DEE. Also called: Early infantile epileptic encephalopathy with suppression bursts; Early infantile epileptic encephalopathy; Ohtahara syndrome. Identifiers: Orphanet 1934, MedGen C0393706, MONDO:0800491.

Submission:

Labcorp Genetics (formerly Invitae), Labcorp
Classification: Pathogenic for Early-infantile DEE. Last evaluated: 2022-08-05. Review status: criteria provided, single submitter. Criteria: Invitae Variant Classification Sherloc (09022015). Collection method: clinical testing. Allele origin: germline.
Comment: This sequence change replaces leucine, which is neutral and non-polar, with proline, which is neutral and non-polar, at codon 981 of the SCN1A protein (p.Leu981Pro). This variant is not present in population databases (gnomAD no frequency). This missense change has been observed in individual(s) with Dravet syndrome (PMID: 28012175). In at least one individual the variant was observed to be de novo. Advanced modeling of protein sequence and biophysical properties (such as structural, functional, and spatial information, amino acid conservation, physicochemical variation, residue mobility, and thermodynamic stability) performed at Invitae indicates that this missense variant is expected to disrupt SCN1A protein function. For these reasons, this variant has been classified as Pathogenic.

Literature cited by the submitters: PubMed 28012175.